The following is an entry in ClinVar:

NM_001384140.1(PCDH15):c.2273A>T (p.Asn758Ile)

Gene: PCDH15 (protocadherin related 15; minus strand). Cytogenetic location: 10q21.1.
Variant type: single nucleotide variant.
Coding change: c.2273A>T on transcript NM_001384140.1 (MANE Select); coding-DNA position 2273, A replaced by T.
Protein change: p.Asn758Ile; replaces asparagine 758 with isoleucine.
Molecular consequence: missense variant.
Genome position (GRCh38, 1-based): chr10:54,023,145, T>A on the plus strand (A>T on the coding strand, the complement: PCDH15 is on the minus strand). VCF-style: chr10-54023145-T-A. GRCh37 (hg19) VCF-style: chr10-55782905-T-A.
Other names: c.2288A>T, p.Asn763Ile (NM_001142763.2, NM_001142771.2); c.2273A>T, p.Asn758Ile (NM_001142764.2, NM_001142766.2, NM_001142770.3 and 5 more transcripts); c.2060A>T, p.Asn687Ile (NM_001142765.2); c.2162A>T, p.Asn721Ile (NM_001142767.2); c.2207A>T, p.Asn736Ile (NM_001142768.2, NM_001142773.2, NM_001354404.2); c.2309A>T, p.Asn770Ile (NM_001142769.4); c.2294A>T, p.Asn765Ile (NM_001354411.2); short protein forms N687I, N721I, N736I, N758I, N763I, N765I, N770I.
Identifiers: ClinVar variation 2141497 (VCV002141497.2), dbSNP rs1393478486, ClinGen allele CA376523912.

ClinVar aggregate classification (germline): Uncertain significance. Review status: criteria provided, multiple submitters, no conflicts (2 of 4 stars). 2 submissions from 2 submitters: Uncertain significance (2). Last evaluated 2025-04-11.

Conditions:
Inborn genetic diseases. Identifiers: MedGen C0950123, MeSH D030342.

Allele frequency attached by ClinVar (database versions not stated): TOPMed below 0.00001.
gnomAD v4.1: 5 of 1,613,852 alleles (0.00031%); highest among the groups gnomAD compares: South Asian, 0.0044%; no homozygotes.

Submissions (2):

Ambry Genetics
Classification: Uncertain significance for Inborn genetic diseases. Last evaluated: 2025-04-11. Review status: criteria provided, single submitter. Criteria: Ambry Variant Classification Scheme 2023. Collection method: clinical testing. Allele origin: germline.

Labcorp Genetics (formerly Invitae), Labcorp
Classification: Uncertain significance. Last evaluated: 2021-02-27. Review status: criteria provided, single submitter. Criteria: Invitae Variant Classification Sherloc (09022015). Collection method: clinical testing. Allele origin: germline.
Comment: This sequence change replaces asparagine with isoleucine at codon 758 of the PCDH15 protein (p.Asn758Ile). The asparagine residue is highly conserved and there is a large physicochemical difference between asparagine and isoleucine. This variant is not present in population databases (ExAC no frequency). This variant has not been reported in the literature in individuals with PCDH15-related disease. Algorithms developed to predict the effect of missense changes on protein structure and function are either unavailable or do not agree on the potential impact of this missense change (SIFT: "Deleterious"; PolyPhen-2: "Probably Damaging"; Align-GVGD: "Class C0"). In summary, the available evidence is currently insufficient to determine the role of this variant in disease. Therefore, it has been classified as a Variant of Uncertain Significance.